The following is an entry in ClinVar:

ClinVar aggregate classification (germline): Likely pathogenic (1 of 4 stars; one submission).

Conditions:
Pontocerebellar hypoplasia type 6 (PCH6). Identifiers: Orphanet 166073, MedGen C1969084, MONDO:0012683, OMIM 611523.

Submission:

Natera, Inc.
Classification: Likely pathogenic for Pontocerebellar hypoplasia, type 6. Last evaluated: 2024-05-01. Review status: criteria provided, single submitter. Criteria: Natera Variant Classification Schema (03/2026). Collection method: clinical testing. Allele origin: germline.
Comment: The c.1420delG variant in RARS2 is a frameshift variant predicted to shift the reading frame beginning at codon 474 and leads to a stop codon 9 codons downstream. This variant is expected to result in nonsense mediated decay, truncation, or a dysfunctional protein product. This variant is rare in the general population with a frequency below the threshold expected for the associated phenotype(s). Given the available evidence, this variant is classified as Likely Pathogenic.

NM_020320.5(RARS2):c.1420del (p.Glu474fs)

Gene: RARS2 (arginyl-tRNA synthetase 2, mitochondrial; minus strand). Cytogenetic location: 6q15.
Variant type: Deletion.
Coding change: c.1420del on transcript NM_020320.5 (MANE Select); coding-DNA position 1420, one base deleted (G; older notation c.1420delG).
Protein change: p.Glu474fs; shifts the reading frame from glutamic acid 474.
Molecular consequence: frameshift variant. On other transcripts: non-coding transcript variant (19).
Genome position (GRCh38, 1-based): chr6:87,518,260, C deleted on the plus strand (G on the coding strand, the reverse complement: RARS2 is on the minus strand); the first of 2 consecutive C bases (chr6:87,518,260-87,518,261); deleting either gives the same sequence. VCF-style (leftmost placement, unchanged base first): chr6-87518259-TC-T. GRCh37 (hg19) VCF-style: chr6-88227977-TC-T.
Other names: c.895del, p.Glu299fs (NM_001318785.2, NM_001350506.2, NM_001350507.2 and 4 more transcripts); c.1420del, p.Glu474fs (NM_001350505.2); short protein forms E299fs, E474fs.
Identifiers: ClinVar variation 4816050 (VCV004816050.1).